The following is an entry in ClinVar:

ClinVar aggregate classification (germline): Uncertain significance (1 of 4 stars; one submission).

Submission:

Labcorp Genetics (formerly Invitae), Labcorp
Classification: Uncertain significance. Last evaluated: 2025-03-09. Review status: criteria provided, single submitter. Criteria: Invitae Variant Classification Sherloc (09022015). Collection method: clinical testing. Allele origin: germline.
Comment: This sequence change replaces asparagine, which is neutral and polar, with lysine, which is basic and polar, at codon 628 of the BACH2 protein (p.Asn628Lys). This variant is not present in population databases (gnomAD no frequency). This variant has not been reported in the literature in individuals affected with BACH2-related conditions. Invitae Evidence Modeling of protein sequence and biophysical properties (such as structural, functional, and spatial information, amino acid conservation, physicochemical variation, residue mobility, and thermodynamic stability) has been performed for this missense variant. However, the output from this modeling did not meet the statistical confidence thresholds required to predict the impact of this variant on BACH2 protein function. In summary, the available evidence is currently insufficient to determine the role of this variant in disease. Therefore, it has been classified as a Variant of Uncertain Significance.

NM_021813.4(BACH2):c.1884C>A (p.Asn628Lys)

Gene: BACH2 (BACH transcriptional regulator 2; minus strand). Cytogenetic location: 6q15.
Variant type: single nucleotide variant.
Coding change: c.1884C>A on transcript NM_021813.4 (MANE Select); coding-DNA position 1884, C replaced by A.
Protein change: p.Asn628Lys; replaces asparagine 628 with lysine.
Molecular consequence: missense variant.
Genome position (GRCh38, 1-based): chr6:89,938,303, G>T on the plus strand (C>A on the coding strand, the complement: BACH2 is on the minus strand). VCF-style: chr6-89938303-G-T. GRCh37 (hg19) VCF-style: chr6-90648022-G-T.
Other names: c.1884C>A, p.Asn628Lys (NM_001170794.2); short protein forms N628K.
Identifiers: ClinVar variation 4737157 (VCV004737157.1).